The following is an entry in ClinVar:

ClinVar aggregate classification (germline): Likely pathogenic (1 of 4 stars; one submission).

Conditions:
Developmental and epileptic encephalopathy, 2 (DEE2). Also called: INFANTILE SPASM SYNDROME, X-LINKED 2; CDKL5 deficiency disorder. Identifiers: Orphanet 1934, Orphanet 3451, Orphanet 505652, MedGen C4750718, MONDO:0010396, OMIM 300672.

Submission:

3billion
Classification: Likely pathogenic for Developmental and epileptic encephalopathy, 2. Last evaluated: 2021-10-02. Review status: criteria provided, single submitter. Criteria: ACMG Guidelines, 2015. Collection method: clinical testing. Allele origin: germline. Affected: yes. Observed: 1 hemizygote.
Comment: The missense variant is located in a mutational hot spot and/or well-established functional domain in which established pathogenic variants have been reported (PM1). It is not observed in the gnomAD v2.1.1 dataset (PM2). The variant was observed as assumed (i.e. paternity and maternity not confirmed) de novoo (3billion dataset, PM6). In silico tool predictions suggest damaging effect of the variant on gene or gene product (REVEL: 0.689, PP3). Therefore, this variant is classified as likely pathogenic according to the recommendation of ACMG/AMP guideline.

NM_001323289.2(CDKL5):c.599T>A (p.Ile200Asn)

Gene: CDKL5 (cyclin dependent kinase like 5; plus strand). Cytogenetic location: Xp22.13.
Variant type: single nucleotide variant.
Coding change: c.599T>A on transcript NM_001323289.2 (MANE Select); coding-DNA position 599, T replaced by A.
Protein change: p.Ile200Asn; replaces isoleucine 200 with asparagine.
Molecular consequence: missense variant.
Genome position (GRCh38, 1-based): chrX:18,587,998, T>A. VCF-style: chrX-18587998-T-A. GRCh37 (hg19) VCF-style: chrX-18606118-T-A.
Other names: c.599T>A, p.Ile200Asn (NM_001037343.2, NM_003159.3); short protein forms I200N.
Identifiers: ClinVar variation 1320150 (VCV001320150.1), dbSNP rs2147148013, ClinGen allele CA412353200.